The following is an entry in ClinVar:

ClinVar aggregate classification (germline): Uncertain significance. Review status: criteria provided, multiple submitters, no conflicts (2 of 4 stars). 2 submissions from 2 submitters: Uncertain significance (2). Last evaluated 2024-02-22.

Conditions:
Hereditary cancer-predisposing syndrome. Also called: Hereditary neoplastic syndrome; Tumor predisposition; Neoplastic Syndromes, Hereditary; Hereditary Cancer Syndrome. Identifiers: Orphanet 140162, MedGen C0027672, MeSH D009386, MONDO:0015356.
Cardiovascular phenotype. Identifiers: MedGen CN230736.
Neurofibromatosis, type 1 (NF1). Also called: Neurofibromatosis, type I; VON RECKLINGHAUSEN DISEASE; Peripheral type neurofibromatosis; NEUROFIBROMATOSIS, TYPE I, SOMATIC. Identifiers: Orphanet 636, MedGen C0027831, MONDO:0018975, OMIM 162200. Disease mechanism: loss of function.

Allele frequency attached by ClinVar (database versions not stated): gnomAD exomes below 0.00001.
gnomAD v4.1: 3 of 1,613,008 alleles (0.00019%); highest among the groups gnomAD compares: Non-Finnish European, 0.00025%; no homozygotes.

Submissions (2):

Labcorp Genetics (formerly Invitae), Labcorp
Classification: Uncertain significance for Neurofibromatosis, type 1. Last evaluated: 2024-02-22. Review status: criteria provided, single submitter. Criteria: Invitae Variant Classification Sherloc (09022015). Collection method: clinical testing. Allele origin: germline.
Comment: This sequence change replaces leucine, which is neutral and non-polar, with phenylalanine, which is neutral and non-polar, at codon 597 of the NF1 protein (p.Leu597Phe). This variant is not present in population databases (gnomAD no frequency). This variant has not been reported in the literature in individuals affected with NF1-related conditions. ClinVar contains an entry for this variant (Variation ID: 858550). Advanced modeling of protein sequence and biophysical properties (such as structural, functional, and spatial information, amino acid conservation, physicochemical variation, residue mobility, and thermodynamic stability) performed at Invitae indicates that this missense variant is expected to disrupt NF1 protein function with a positive predictive value of 95%. In summary, the available evidence is currently insufficient to determine the role of this variant in disease. Therefore, it has been classified as a Variant of Uncertain Significance.

Ambry Genetics
Classification: Uncertain significance for Cardiovascular phenotype; Hereditary cancer-predisposing syndrome. Last evaluated: 2020-07-09. Review status: criteria provided, single submitter. Criteria: Ambry Variant Classification Scheme 2023. Collection method: clinical testing. Allele origin: germline.
Comment: The p.L597F variant (also known as c.1789C>T), located in coding exon 16 of the NF1 gene, results from a C to T substitution at nucleotide position 1789. The leucine at codon 597 is replaced by phenylalanine, an amino acid with highly similar properties. This amino acid position is highly conserved in available vertebrate species. In addition, the in silico prediction for this alteration is inconclusive. Since supporting evidence is limited at this time, the clinical significance of this alteration remains unclear.

NM_001042492.3(NF1):c.1789C>T (p.Leu597Phe)

Gene: NF1 (neurofibromin 1; plus strand). Cytogenetic location: 17q11.2.
Variant type: single nucleotide variant.
Coding change: c.1789C>T on transcript NM_001042492.3 (MANE Select); coding-DNA position 1789, C replaced by T.
Protein change: p.Leu597Phe; replaces leucine 597 with phenylalanine.
Molecular consequence: missense variant.
Genome position (GRCh38, 1-based): chr17:31,223,511, C>T. VCF-style: chr17-31223511-C-T. GRCh37 (hg19) VCF-style: chr17-29550529-C-T.
Other names: c.1789C>T, p.Leu597Phe (NM_000267.4); short protein forms L597F.
Identifiers: ClinVar variation 858550 (VCV000858550.9), dbSNP rs2066963329, ClinGen allele CA399004353.